The following is an entry in ClinVar:

NM_001082486.1(ACD):c.137G>A (p.Arg46His)

Genes: ACD (ACD shelterin complex subunit and telomerase recruitment factor; minus strand), LOC130059224 (ATAC-STARR-seq lymphoblastoid silent region 7617; plus strand). Cytogenetic location: 16q22.1.
Variant type: single nucleotide variant.
Coding change: c.137G>A on transcript NM_001082486.1; coding-DNA position 137, G replaced by A.
Protein change: p.Arg46His; replaces arginine 46 with histidine.
Genome position (GRCh38, 1-based): chr16:67,660,342, C>T on the plus strand (G>A on the coding strand, the complement: ACD is on the minus strand). VCF-style: chr16-67660342-C-T. GRCh37 (hg19) VCF-style: chr16-67694245-C-T.
Other names: short protein forms R46H.
Identifiers: ClinVar variation 1771257 (VCV001771257.2), dbSNP rs763876886, ClinGen allele CA8114897.

ClinVar aggregate classification (germline): Uncertain significance (1 of 4 stars; one submission).

Conditions:
Inborn genetic diseases. Identifiers: MedGen C0950123, MeSH D030342.

Allele frequency attached by ClinVar (database versions not stated): TOPMed 0.00001; ExAC 0.00006.

Submission:

Ambry Genetics
Classification: Uncertain significance for Inborn genetic diseases. Last evaluated: 2022-08-07. Review status: criteria provided, single submitter. Criteria: Ambry Variant Classification Scheme 2023. Collection method: clinical testing. Allele origin: germline.
Comment: The p.R46H variant (also known as c.137G>A), located in coding exon 1 of the ACD gene, results from a G to A substitution at nucleotide position 137. The arginine at codon 46 is replaced by histidine, an amino acid with highly similar properties. This amino acid position is conserved. In addition, this alteration is predicted to be tolerated by in silico analysis. Since supporting evidence is limited at this time, the clinical significance of this alteration remains unclear.